The following is an entry in ClinVar:

NM_002335.4(LRP5):c.4081T>G (p.Cys1361Gly)

Gene: LRP5 (LDL receptor related protein 5; plus strand). Cytogenetic location: 11q13.2.
Variant type: single nucleotide variant.
Coding change: c.4081T>G on transcript NM_002335.4 (MANE Select); coding-DNA position 4081, T replaced by G.
Protein change: p.Cys1361Gly; replaces cysteine 1361 with glycine.
Molecular consequence: missense variant.
Genome position (GRCh38, 1-based): chr11:68,436,969, T>G. VCF-style: chr11-68436969-T-G. GRCh37 (hg19) VCF-style: chr11-68204437-T-G.
Other names: c.2338T>G, p.Cys780Gly (NM_001291902.2); short protein forms C1361G, C780G.
Identifiers: ClinVar variation 963333 (VCV000963333.9), dbSNP rs80358320, ClinGen allele CA6150225.

ClinVar aggregate classification (germline): Conflicting classifications of pathogenicity. Review status: criteria provided, conflicting classifications (1 of 4 stars). 3 submissions from 3 submitters: Likely pathogenic (1); Uncertain significance (2). Last evaluated 2025-03-18.

Conditions:
Worth disease. Also called: ENDOSTEAL HYPEROSTOSIS, AUTOSOMAL DOMINANT; OSTEOSCLEROSIS, AUTOSOMAL DOMINANT; Autosomal dominant osteosclerosis, Worth type. Identifiers: Orphanet 2790, MedGen C0432273, MONDO:0007764, OMIM 144750.
Polycystic liver disease 4 with or without kidney cysts. Identifiers: MedGen C4693479, MONDO:0044327, OMIM 617875.
Autosomal dominant osteopetrosis 1 (OPTA1). Also called: OSTEOPETROSIS, AUTOSOMAL DOMINANT, TYPE I. Identifiers: Orphanet 2783, MedGen C1843330, MONDO:0011877, OMIM 607634.
Bone mineral density quantitative trait locus 1 (BMND1). Identifiers: MedGen C1866079, OMIM 601884.
Exudative vitreoretinopathy 4 (EVR4). Identifiers: Orphanet 891, MedGen C1866176, MONDO:0011151, OMIM 601813.
Osteoporosis with pseudoglioma (OPPG). Also called: osteoporosis-pseudoglioma syndrome. Identifiers: Orphanet 2788, MedGen C0432252, MONDO:0009820, OMIM 259770.

Allele frequency attached by ClinVar (database versions not stated): gnomAD exomes 0.00002 and 0.00004; ExAC 0.00003; gnomAD 0.00003 and 0.00004; TOPMed 0.00003.
gnomAD v4.1: 65 of 1,613,702 alleles (0.004%); highest among the groups gnomAD compares: Non-Finnish European, 0.0053%; no homozygotes.

Submissions (3):

Labcorp Genetics (formerly Invitae), Labcorp
Classification: Likely pathogenic. Last evaluated: 2025-03-18. Review status: criteria provided, single submitter. Criteria: Invitae Variant Classification Sherloc (09022015). Collection method: clinical testing. Allele origin: germline.
Comment: This sequence change replaces cysteine, which is neutral and slightly polar, with glycine, which is neutral and non-polar, at codon 1361 of the LRP5 protein (p.Cys1361Gly). This variant is present in population databases (rs80358320, gnomAD 0.008%). This missense change has been observed in individuals with autosomal dominant familial exudative vitreoretinopathy and/or clinical features of inherited retinal disease (PMID: 15024691, 38219857; internal data). ClinVar contains an entry for this variant (Variation ID: 963333). Invitae Evidence Modeling of protein sequence and biophysical properties (such as structural, functional, and spatial information, amino acid conservation, physicochemical variation, residue mobility, and thermodynamic stability) indicates that this missense variant is expected to disrupt LRP5 protein function with a positive predictive value of 95%. Experimental studies are conflicting or provide insufficient evidence to determine the effect of this variant on LRP5 function (PMID: 16252235). In summary, the currently available evidence indicates that the variant is pathogenic, but additional data are needed to prove that conclusively. Therefore, this variant has been classified as Likely Pathogenic.

Blueprint Genetics
Classification: Uncertain significance. Last evaluated: 2024-10-31. Review status: criteria provided, single submitter. Criteria: ACMG Guidelines, 2015. Collection method: clinical testing. Allele origin: germline.

Fulgent Genetics
Classification: Uncertain significance for Worth disease; Osteoporosis with pseudoglioma; Exudative vitreoretinopathy 4; Bone mineral density quantitative trait locus 1; Autosomal dominant osteopetrosis 1; Polycystic liver disease 4 with or without kidney cysts. Last evaluated: 2024-05-28. Review status: criteria provided, single submitter. Criteria: ACMG Guidelines, 2015. Collection method: clinical testing. Allele origin: germline.

Literature cited by the submitters: PubMed 15024691 (cited by Labcorp Genetics (formerly Invitae), Labcorp); PubMed 38219857 (cited by Labcorp Genetics (formerly Invitae), Labcorp); PubMed 16252235 (cited by Labcorp Genetics (formerly Invitae), Labcorp).